The following is an entry in ClinVar:

ClinVar aggregate classification (germline): Likely benign (1 of 4 stars; one submission).

Allele frequency attached by ClinVar (database versions not stated): 1000 Genomes Project 30x 0.00016; TOPMed 0.00086; ESP Exome Variant Server 0.00092.
gnomAD v4.1: 1,370 of 1,608,028 alleles (0.085%); highest among the groups gnomAD compares: South Asian, 0.21%; 11 homozygotes.

Submission:

CeGaT Center for Human Genetics Tuebingen
Classification: Likely benign. Last evaluated: 2022-06-01. Review status: criteria provided, single submitter. Criteria: CeGaT Center For Human Genetics Tuebingen Variant Classification Criteria Version 2. Collection method: clinical testing. Allele origin: germline. Affected: yes. Observed: 1 variant allele.
Comment: SPATC1L: BP4, BP7

NM_001142854.2(SPATC1L):c.657C>T (p.Tyr219=)

Gene: SPATC1L (spermatogenesis and centriole associated 1 like; minus strand). Cytogenetic location: 21q22.3.
Variant type: single nucleotide variant.
Coding change: c.657C>T on transcript NM_001142854.2 (MANE Select); coding-DNA position 657, C replaced by T.
Protein change: p.Tyr219=; no amino-acid change (tyrosine 219 retained).
Molecular consequence: synonymous variant.
Genome position (GRCh38, 1-based): chr21:46,161,955, G>A on the plus strand (C>T on the coding strand, the complement: SPATC1L is on the minus strand). VCF-style: chr21-46161955-G-A. GRCh37 (hg19) VCF-style: chr21-47581869-G-A.
Other names: c.195C>T, p.Tyr65= (NM_032261.5).
Identifiers: ClinVar variation 2652809 (VCV002652809.24), dbSNP rs139199473, ClinGen allele CA10074319.